The following is an entry in ClinVar:

ClinVar aggregate classification (germline): Conflicting classifications of pathogenicity. Review status: criteria provided, conflicting classifications (1 of 4 stars). 2 submissions from 2 submitters: Uncertain significance (1); Likely benign (1). Last evaluated 2025-01-23.

Allele frequency attached by ClinVar (database versions not stated): ExAC 0.00002.

Submissions (2):

GeneDx
Classification: Uncertain significance. Last evaluated: 2025-01-23. Review status: criteria provided, single submitter. Criteria: GeneDx Variant Classification Process June 2021. Collection method: clinical testing. Allele origin: germline. Affected: yes.
Comment: Not observed at significant frequency in large population cohorts (gnomAD); In silico analysis indicates that this variant does not alter splicing; Has not been previously published as pathogenic or benign to our knowledge

Labcorp Genetics (formerly Invitae), Labcorp
Classification: Likely benign. Last evaluated: 2023-09-08. Review status: criteria provided, single submitter. Criteria: Invitae Variant Classification Sherloc (09022015). Collection method: clinical testing. Allele origin: germline.

NM_005548.3(KARS1):c.1173C>T (p.Phe391=)

Gene: KARS1 (lysyl-tRNA synthetase 1; minus strand). Cytogenetic location: 16q23.1.
Variant type: single nucleotide variant.
Coding change: c.1173C>T on transcript NM_005548.3 (MANE Select); coding-DNA position 1173, C replaced by T.
Protein change: p.Phe391=; no amino-acid change (phenylalanine 391 retained).
Molecular consequence: synonymous variant.
Genome position (GRCh38, 1-based): chr16:75,631,495, G>A on the plus strand (C>T on the coding strand, the complement: KARS1 is on the minus strand). VCF-style: chr16-75631495-G-A. GRCh37 (hg19) VCF-style: chr16-75665393-G-A.
Other names: c.1257C>T, p.Phe419= (NM_001130089.2); c.705C>T, p.Phe235= (NM_001378148.1).
Identifiers: ClinVar variation 2970339 (VCV002970339.4), dbSNP rs760021784, ClinGen allele CA8177367.
Genomic context (GRCh38, chr16:75,631,495, plus strand): 5'-CGTTTCTGGCAGCTTCATCCCCAGGGCTTTCTCAAGCTCTTCTACCATGTTGATTCGCCG[G>A]AAGGGTGGGGTGAAGTCAACATCGTAGGCTTGGCCCTCTGGGCCATCTGGGTGGTAGGTG-3'
Protein context (NP_005539.1, residues 381-401): QAYDVDFTPP[Phe391=]RRINMVEELE